The following is an entry in ClinVar:

ClinVar aggregate classification (germline): Uncertain significance (1 of 4 stars; one submission).

Submission:

Labcorp Genetics (formerly Invitae), Labcorp
Classification: Uncertain significance. Last evaluated: 2022-03-12. Review status: criteria provided, single submitter. Criteria: Invitae Variant Classification Sherloc (09022015). Collection method: clinical testing. Allele origin: germline.
Comment: In summary, the available evidence is currently insufficient to determine the role of this variant in disease. Therefore, it has been classified as a Variant of Uncertain Significance. Algorithms developed to predict the effect of missense changes on protein structure and function are either unavailable or do not agree on the potential impact of this missense change (SIFT: "Deleterious"; PolyPhen-2: "Probably Damaging"; Align-GVGD: "Class C0"). This variant has not been reported in the literature in individuals affected with CEP78-related conditions. This variant is not present in population databases (gnomAD no frequency). This sequence change replaces aspartic acid, which is acidic and polar, with tyrosine, which is neutral and polar, at codon 44 of the CEP78 protein (p.Asp44Tyr).

NM_001330691.3(CEP78):c.130G>T (p.Asp44Tyr)

Gene: CEP78 (centrosomal protein 78; plus strand). Cytogenetic location: 9q21.2.
Variant type: single nucleotide variant.
Coding change: c.130G>T on transcript NM_001330691.3 (MANE Select); coding-DNA position 130, G replaced by T.
Protein change: p.Asp44Tyr; replaces aspartic acid 44 with tyrosine.
Molecular consequence: missense variant.
Genome position (GRCh38, 1-based): chr9:78,236,480, G>T. VCF-style: chr9-78236480-G-T. GRCh37 (hg19) VCF-style: chr9-80851396-G-T.
Other names: c.130G>T, p.Asp44Tyr (NM_001098802.3, NM_001330693.3, NM_001330694.2 and 4 more transcripts); short protein forms D44Y.
Identifiers: ClinVar variation 2110204 (VCV002110204.4), dbSNP rs1587542163, ClinGen allele CA373999318.